The following is an entry in ClinVar:

ClinVar aggregate classification (germline): Likely benign. Review status: criteria provided, multiple submitters, no conflicts (2 of 4 stars). 3 submissions from 3 submitters: Likely benign (3). Last evaluated 2024-03-24.

Conditions:
Cardiovascular phenotype. Identifiers: MedGen CN230736.
Long QT syndrome (LQTS). Identifiers: MedGen C0023976, MeSH D008133, MONDO:0002442. Disease mechanism: loss of function. Inheritance: Various modes of inheritance.

Allele frequency attached by ClinVar (database versions not stated): gnomAD exomes below 0.00001.
gnomAD v4.1: 1 of 1,614,004 alleles (0.000062%); highest among the groups gnomAD compares: South Asian, 0.0011%; no homozygotes.

Submissions (3):

All of Us Research Program, National Institutes of Health
Classification: Likely benign for Long QT syndrome. Last evaluated: 2024-03-24. Review status: criteria provided, single submitter. Criteria: ACMG Guidelines, 2015. Collection method: clinical testing. Allele origin: germline. Inheritance: Autosomal dominant inheritance. Observed: 1 variant allele, 1 heterozygote.
Comment: This study involves interpretation of variants in research participants for the purpose of population health screening. Participant phenotype was not available at the time of variant classification. Additional details can be found in publication PMID: 35346344, PMCID: PMC8962531

Ambry Genetics
Classification: Likely benign for Cardiovascular phenotype. Last evaluated: 2023-02-16. Review status: criteria provided, single submitter. Criteria: Ambry Variant Classification Scheme 2023. Collection method: clinical testing. Allele origin: germline.

Labcorp Genetics (formerly Invitae), Labcorp
Classification: Likely benign for Long QT syndrome. Last evaluated: 2018-05-22. Review status: criteria provided, single submitter. Criteria: Invitae Variant Classification Sherloc (09022015). Collection method: clinical testing. Allele origin: germline.

NM_000218.3(KCNQ1):c.1095C>T (p.Asn365=)

Gene: KCNQ1 (potassium voltage-gated channel subfamily Q member 1; plus strand). Cytogenetic location: 11p15.5.
Variant type: single nucleotide variant.
Coding change: c.1095C>T on transcript NM_000218.3 (MANE Select); coding-DNA position 1095, C replaced by T.
Protein change: p.Asn365=; no amino-acid change (asparagine 365 retained).
Molecular consequence: synonymous variant. On other transcripts: intron variant (2).
Genome position (GRCh38, 1-based): chr11:2,585,274, C>T. VCF-style: chr11-2585274-C-T. GRCh37 (hg19) VCF-style: chr11-2606504-C-T.
Other names: c.825C>T, p.Asn275= (NM_001406837.1); c.714C>T, p.Asn238= (NM_181798.2); c.1032+1729C>T (NM_001406836.1); c.588+1729C>T (NM_001406838.1).
Identifiers: ClinVar variation 760517 (VCV000760517.15), dbSNP rs1589967022, ClinGen allele CA472038503.